The following is an entry in ClinVar:

NC_000022.11:g.40345873G>C

Gene: ADSL (adenylosuccinate lyase; plus strand). Cytogenetic location: 22q13.1.
Variant type: single nucleotide variant.
Genome position: GRCh38 VCF-style: chr22-40345873-G-C. GRCh37 (hg19) VCF-style: chr22-40741877-G-C.
Identifiers: ClinVar variation 1509952 (VCV001509952.6), dbSNP rs146387429, ClinGen allele CA2573158337.
Genomic context (GRCh38, chr22:40,345,873, plus strand): 5'-TAGAGACAGGGTTTCACGTGTTGCCCAGGCTGGTCTCAAACTCCTAAGCTCAGGAAATCT[G>C]CCTGCCTCGACCTCCCGAAGTGCTGGGATTACAGGCGTAGGCCACCGCAGCCGGCTCACT-3'

ClinVar aggregate classification (germline): Uncertain significance (1 of 4 stars; one submission).

Conditions:
Adenylosuccinate lyase deficiency (ADSLD). Also called: ADSL DEFICIENCY. Identifiers: Orphanet 46, MedGen C0268126, MONDO:0007068, OMIM 103050.

Submission:

Labcorp Genetics (formerly Invitae), Labcorp
Classification: Uncertain significance for Adenylosuccinate lyase deficiency. Last evaluated: 2021-02-14. Review status: criteria provided, single submitter. Criteria: Invitae Variant Classification Sherloc (09022015). Collection method: clinical testing. Allele origin: germline.
Comment: This variant occurs in a non-coding region of the ADSL gene. It does not change the encoded amino acid sequence of the ADSL protein. The frequency data for this variant in the population databases is considered unreliable, as metrics indicate insufficient coverage at this position in the ExAC database. This variant has not been reported in the literature in individuals with ADSL-related conditions. Experimental studies and prediction algorithms are not available or were not evaluated, and the functional significance of this variant is currently unknown. In summary, the available evidence is currently insufficient to determine the role of this variant in disease. Therefore, it has been classified as a Variant of Uncertain Significance.